The following is an entry in ClinVar:

NM_000540.3(RYR1):c.11549A>C (p.Asn3850Thr)

Gene: RYR1 (ryanodine receptor 1; plus strand). Cytogenetic location: 19q13.2.
Variant type: single nucleotide variant.
Coding change: c.11549A>C on transcript NM_000540.3 (MANE Select); coding-DNA position 11549, A replaced by C.
Protein change: p.Asn3850Thr; replaces asparagine 3850 with threonine.
Molecular consequence: missense variant.
Genome position (GRCh38, 1-based): chr19:38,536,029, A>C. VCF-style: chr19-38536029-A-C. GRCh37 (hg19) VCF-style: chr19-39026669-A-C.
Other names: c.11534A>C, p.Asn3845Thr (NM_001042723.2); short protein forms N3845T, N3850T.
Identifiers: ClinVar variation 3385560 (VCV003385560.1).

ClinVar aggregate classification (germline): Uncertain significance (1 of 4 stars; one submission).

Conditions:
Malignant hyperthermia, susceptibility to, 1 (MHS1). Also called: Anesthesia related hyperthermia; Malignant hyperpyrexia; Fulminating hyperpyrexia; Pharmacogenic myopathy; Malignant hyperthermia suceptibility 1; RYR1-Related Malignant Hyperthermia Susceptibility. Identifiers: Orphanet 423, MedGen C2930980, MONDO:0007783, OMIM 145600.

Submission:

All of Us Research Program, National Institutes of Health
Classification: Uncertain significance for Malignant hyperthermia, susceptibility to, 1. Last evaluated: 2024-06-09. Review status: criteria provided, single submitter. Criteria: ACMG Guidelines, 2015. Collection method: clinical testing. Allele origin: germline. Inheritance: Autosomal dominant inheritance. Observed: 1 variant allele, 1 heterozygote.
Comment: This missense variant replaces asparagine with threonine at codon 3850 of the RYR1 protein. Computational prediction suggests that this variant may not impact protein structure and function (internally defined REVEL score threshold <= 0.5, PMID: 27666373). To our knowledge, functional studies have not been reported for this variant. This variant has not been reported in individuals affected with RYR1-related disorders in the literature. This variant has not been identified in the general population by the Genome Aggregation Database (gnomAD). The available evidence is insufficient to determine the role of this variant in disease conclusively. Therefore, this variant is classified as a Variant of Uncertain Significance.

This study involves interpretation of variants in research participants for the purpose of population health screening. Participant phenotype was not available at the time of variant classification. Additional details can be found in publication PMID: 35346344, PMCID: PMC8962531